The following is an entry in ClinVar:

NM_001134673.4(NFIA):c.626-3996G>A

Gene: NFIA (nuclear factor I A; plus strand). Cytogenetic location: 1p31.3.
Variant type: single nucleotide variant.
Coding change: c.626-3996G>A on transcript NM_001134673.4 (MANE Select); 3996 bases into the intron before coding-DNA position 626, G replaced by A.
Molecular consequence: intron variant.
Genome position (GRCh38, 1-based): chr1:61,328,516, G>A. VCF-style: chr1-61328516-G-A. GRCh37 (hg19) VCF-style: chr1-61794188-G-A.
Other names: c.602-3996G>A (NM_001145511.2); c.761-3996G>A (NM_001145512.2); c.626-3996G>A (NM_005595.5).
Identifiers: ClinVar variation 4281326 (VCV004281326.7).

ClinVar aggregate classification (germline): Likely benign (1 of 4 stars; one submission).

gnomAD v4.1: 2 of 151,792 alleles (0.0013%); highest among the groups gnomAD compares: East Asian, 0.019%; no homozygotes.

Submission:

CeGaT Center for Human Genetics Tuebingen
Classification: Likely benign. Last evaluated: 2025-08-01. Review status: criteria provided, single submitter. Criteria: CeGaT Center For Human Genetics Tuebingen Variant Classification Criteria Version 2. Collection method: clinical testing. Allele origin: germline. Affected: yes. Observed: 1 variant allele.
Comment: NFIA: BP4